The following is an entry in ClinVar:

NM_014264.5(PLK4):c.11G>A (p.Cys4Tyr)

Genes: PLK4 (polo like kinase 4; plus strand), LOC129993054 (ATAC-STARR-seq lymphoblastoid active region 21887; plus strand). Cytogenetic location: 4q28.1.
Variant type: single nucleotide variant.
Coding change: c.11G>A on transcript NM_014264.5 (MANE Select); coding-DNA position 11, G replaced by A.
Protein change: p.Cys4Tyr; replaces cysteine 4 with tyrosine.
Molecular consequence: missense variant.
Genome position (GRCh38, 1-based): chr4:127,881,145, G>A. VCF-style: chr4-127881145-G-A. GRCh37 (hg19) VCF-style: chr4-128802300-G-A.
Other names: c.11G>A, p.Cys4Tyr (NM_001190799.2); short protein forms C4Y.
Identifiers: ClinVar variation 2115440 (VCV002115440.4), dbSNP rs2148814544, ClinGen allele CA358166801.

ClinVar aggregate classification (germline): Uncertain significance (1 of 4 stars; one submission).

Submission:

Labcorp Genetics (formerly Invitae), Labcorp
Classification: Uncertain significance. Last evaluated: 2024-12-02. Review status: criteria provided, single submitter. Criteria: Invitae Variant Classification Sherloc (09022015). Collection method: clinical testing. Allele origin: germline.
Comment: This sequence change replaces cysteine, which is neutral and slightly polar, with tyrosine, which is neutral and polar, at codon 4 of the PLK4 protein (p.Cys4Tyr). This variant is not present in population databases (gnomAD no frequency). This variant has not been reported in the literature in individuals affected with PLK4-related conditions. ClinVar contains an entry for this variant (Variation ID: 2115440). An algorithm developed to predict the effect of missense changes on protein structure and function outputs the following: PolyPhen-2: "Benign". The tyrosine amino acid residue is found in multiple mammalian species, which suggests that this missense change does not adversely affect protein function. In summary, the available evidence is currently insufficient to determine the role of this variant in disease. Therefore, it has been classified as a Variant of Uncertain Significance.